The following is an entry in ClinVar:

NM_004722.4(AP4M1):c.974+115dup

Gene: AP4M1 (adaptor related protein complex 4 subunit mu 1; plus strand). Cytogenetic location: 7q22.1.
Variant type: Duplication.
Coding change: c.974+115dup on transcript NM_004722.4 (MANE Select); 115 bases into the intron after coding-DNA position 974, one base duplicated (A; older notation c.974+115dupA).
Molecular consequence: intron variant.
Genome position (GRCh38, 1-based): chr7:100,106,118, A duplicated. VCF-style (leftmost placement, unchanged base first): chr7-100106117-T-TA. GRCh37 (hg19) VCF-style: chr7-99703740-T-TA.
Other names: NM_001363671.2:c.995+115dup; c.995+115dup (NM_001363671.2).
Identifiers: ClinVar variation 2674606 (VCV002674606.1), dbSNP rs2546960805, ClinGen allele CA2586963872.

ClinVar aggregate classification (germline): Uncertain significance (1 of 4 stars; one submission).

Conditions:
Hereditary spastic paraplegia 50 (SPG50). Also called: Spastic paraplegia 50, autosomal recessive. Identifiers: Orphanet 280763, MedGen C2752008, MONDO:0013048, OMIM 612936.

Submission:

Broad Center for Mendelian Genomics, Broad Institute of MIT and Harvard
Classification: Uncertain significance for Hereditary spastic paraplegia 50. Last evaluated: 2023-12-20. Review status: criteria provided, single submitter. Criteria: ACMG Guidelines, 2015. Collection method: curation. Allele origin: germline. Inheritance: Autosomal recessive inheritance. Study: GREGoR Consortium.
Comment: Trio exome sequencing revealed that this variant was in trans with the pathogenic variant. This variant has been identified in 0.001% (1/68020) of European non-Finnish chromosomes by the Genome Aggregation Database (gnomAD; dbSNP rs1432802140). Although this variant has been seen in the general population in a heterozygous state, its frequency is low enough to be consistent with a recessive carrier frequency. Computational prediction tools and conservation analyses suggest that this variant may impact the protein, though this information is not predictive enough to determine pathogenicity. In summary, the clinical significance of the c.974+115dup variant is uncertain. ACMG/AMP Criteria applied: PM3, PM2_supporting, PP3 (Richards 2015).